The following is an entry in ClinVar:

NM_000038.6(APC):c.1817T>C (p.Ile606Thr)

Gene: APC (APC regulator of Wnt signaling pathway; plus strand). Cytogenetic location: 5q22.2.
Variant type: single nucleotide variant.
Coding change: c.1817T>C on transcript NM_000038.6 (MANE Select); coding-DNA position 1817, T replaced by C.
Protein change: p.Ile606Thr; replaces isoleucine 606 with threonine.
Molecular consequence: missense variant.
Genome position (GRCh38, 1-based): chr5:112,835,024, T>C. VCF-style: chr5-112835024-T-C. GRCh37 (hg19) VCF-style: chr5-112170721-T-C.
Other names: c.1817T>C, p.Ile606Thr (NM_001127510.3, NM_001354895.2); c.1763T>C, p.Ile588Thr (NM_001127511.3); c.1871T>C, p.Ile624Thr (NM_001354896.2); c.1847T>C, p.Ile616Thr (NM_001354897.2); c.1742T>C, p.Ile581Thr (NM_001354898.2); c.1733T>C, p.Ile578Thr (NM_001354899.2); c.1694T>C, p.Ile565Thr (NM_001354900.2); c.1640T>C, p.Ile547Thr (NM_001354901.2); and 5 more; short protein forms I588T, I606T, I323T, I515T, I616T, I480T, I547T, I581T.
Identifiers: ClinVar variation 537509 (VCV000537509.17), dbSNP rs781337455, ClinGen allele CA029636.

ClinVar aggregate classification (germline): Uncertain significance. Review status: criteria provided, multiple submitters, no conflicts (2 of 4 stars). 3 submissions from 3 submitters: Uncertain significance (3). Last evaluated 2026-03-23.

Conditions:
Hereditary cancer-predisposing syndrome. Also called: Tumor predisposition; Hereditary neoplastic syndrome; Neoplastic Syndromes, Hereditary; Hereditary Cancer Syndrome. Identifiers: Orphanet 140162, MedGen C0027672, MeSH D009386, MONDO:0015356.
Familial adenomatous polyposis 1 (FAP1). Also called: POLYPOSIS, ADENOMATOUS INTESTINAL; FAMILIAL ADENOMATOUS POLYPOSIS 1, ATTENUATED. Identifiers: MedGen C2713442, MONDO:0021056, OMIM 175100. Disease mechanism: loss of function.

Allele frequency attached by ClinVar (database versions not stated): gnomAD exomes below 0.00001; ExAC 0.00001.
gnomAD v4.1: 7 of 1,614,178 alleles (0.00043%); highest among the groups gnomAD compares: Non-Finnish European, 0.00051%; no homozygotes.

Submissions (3):

Ambry Genetics
Classification: Uncertain significance for Hereditary cancer-predisposing syndrome. Last evaluated: 2026-03-23. Review status: criteria provided, single submitter. Criteria: Ambry Variant Classification Scheme 2023. Collection method: clinical testing. Allele origin: germline.

Labcorp Genetics (formerly Invitae), Labcorp
Classification: Uncertain significance for Familial adenomatous polyposis 1. Last evaluated: 2025-10-13. Review status: criteria provided, single submitter. Criteria: Invitae Variant Classification Sherloc (09022015). Collection method: clinical testing. Allele origin: germline.
Comment: This sequence change replaces isoleucine, which is neutral and non-polar, with threonine, which is neutral and polar, at codon 606 of the APC protein (p.Ile606Thr). This variant is present in population databases (rs781337455, gnomAD 0.0009%). This variant has not been reported in the literature in individuals affected with APC-related conditions. ClinVar contains an entry for this variant (Variation ID: 537509). Invitae Evidence Modeling of protein sequence and biophysical properties (such as structural, functional, and spatial information, amino acid conservation, physicochemical variation, residue mobility, and thermodynamic stability) indicates that this missense variant is not expected to disrupt APC protein function with a negative predictive value of 95%. In summary, the available evidence is currently insufficient to determine the role of this variant in disease. Therefore, it has been classified as a Variant of Uncertain Significance.

Baylor Genetics
Classification: Uncertain significance for Familial adenomatous polyposis 1. Last evaluated: 2023-06-22. Review status: criteria provided, single submitter. Criteria: ACMG Guidelines, 2015. Collection method: clinical testing. Allele origin: unknown.